The following is an entry in ClinVar:

NM_012179.4(FBXO7):c.719A>C (p.His240Pro)

Gene: FBXO7 (F-box protein 7; plus strand). Cytogenetic location: 22q12.3.
Variant type: single nucleotide variant.
Coding change: c.719A>C on transcript NM_012179.4 (MANE Select); coding-DNA position 719, A replaced by C.
Protein change: p.His240Pro; replaces histidine 240 with proline.
Molecular consequence: missense variant.
Genome position (GRCh38, 1-based): chr22:32,485,141, A>C. VCF-style: chr22-32485141-A-C. GRCh37 (hg19) VCF-style: chr22-32881128-A-C.
Other names: p.His240Pro; c.482A>C, p.His161Pro (NM_001033024.2); c.377A>C, p.His126Pro (NM_001257990.2); short protein forms H126P, H161P, H240P.
Identifiers: ClinVar variation 2683567 (VCV002683567.1), dbSNP rs372539115, ClinGen allele CA10201505.
Genomic context (GRCh38, chr22:32,485,141, plus strand): 5'-AAGCACTGTCCATGCCGGAGAAGTGGAAGTTGAGCGGGGTGTATAAGCTGCAGTACATGC[A>C]TCCTCTCTGCGAGGGCAGCTCCGCTACTCTCACCTGTGTGCCTTTGGGAAACCTGATTGT-3'
Protein context (NP_036311.3, residues 230-250): LSGVYKLQYM[His240Pro]PLCEGSSATL

ClinVar aggregate classification (germline): Uncertain significance (1 of 4 stars; one submission).

Allele frequency attached by ClinVar (database versions not stated): ExAC 0.00001; gnomAD 0.00001; ESP Exome Variant Server 0.00008.
gnomAD v4.1: 3 of 1,614,088 alleles (0.00019%); highest among the groups gnomAD compares: East Asian, 0.0022%; no homozygotes.

Submission:

Mayo Clinic Laboratories, Mayo Clinic
Classification: Uncertain significance. Last evaluated: 2023-05-02. Review status: criteria provided, single submitter. Criteria: ACMG Guidelines, 2015. Collection method: clinical testing. Allele origin: germline. Observed: 1 variant allele.
Comment: PM2